The following is an entry in ClinVar:

ClinVar aggregate classification (germline): Uncertain significance. Review status: criteria provided, multiple submitters, no conflicts (2 of 4 stars). 2 submissions from 2 submitters: Uncertain significance (2). Last evaluated 2026-06-09.

Conditions:
FHOD3-related disorder. Also called: FHOD3-related condition.

gnomAD v4.1: 1 of 1,610,502 alleles (0.000062%); highest among the groups gnomAD compares: Non-Finnish European, 0.000085%; no homozygotes.

Submissions (2):

PreventionGenetics, part of Exact Sciences
Classification: Uncertain significance for FHOD3-related condition. Last evaluated: 2026-06-09. Review status: criteria provided, single submitter. Criteria: ACMG Guidelines, 2015. Collection method: clinical testing. Allele origin: germline.
Comment: The FHOD3 c.1148A>G variant is predicted to result in the amino acid substitution p.Gln383Arg. To our knowledge, this variant has not been reported in the literature. A similar missense variant (p.Gln383His) has been reported as an uncertain variant in an individual with a hypertrophic cardiomyopathy phenotype (Online Table 3, Ochoa et al. 2018. PubMed ID: 30442288). This variant is reported in 0.00089% of alleles in individuals of European (Non-Finnish) descent in gnomAD. At this time, the clinical significance of this variant is uncertain due to the absence of conclusive functional and genetic evidence.

GeneDx
Classification: Uncertain significance. Last evaluated: 2025-02-21. Review status: criteria provided, single submitter. Criteria: GeneDx Variant Classification Process June 2021. Collection method: clinical testing. Allele origin: germline. Affected: yes.
Comment: Not observed at significant frequency in large population cohorts (gnomAD); In silico analysis indicates that this missense variant does not alter protein structure/function; Has not been previously published as pathogenic or benign to our knowledge

NM_001281740.3(FHOD3):c.1148A>G (p.Gln383Arg)

Gene: FHOD3 (formin homology 2 domain containing 3; plus strand). Cytogenetic location: 18q12.2.
Variant type: single nucleotide variant.
Coding change: c.1148A>G on transcript NM_001281740.3 (MANE Select); coding-DNA position 1148, A replaced by G.
Protein change: p.Gln383Arg; replaces glutamine 383 with arginine.
Molecular consequence: missense variant.
Genome position (GRCh38, 1-based): chr18:36,625,701, A>G. VCF-style: chr18-36625701-A-G. GRCh37 (hg19) VCF-style: chr18-34205664-A-G.
Other names: c.1148A>G (NM_001281740.2); c.1148A>G, p.Gln383Arg (NM_001281739.3, NM_025135.5); short protein forms Q383R.
Identifiers: ClinVar variation 4076844 (VCV004076844.2).
Genomic context (GRCh38, chr18:36,625,701, plus strand): 5'-GCAGGCACTCGGTGCAGAGCATCAAGAGCACCCTGTCGGCCCCCACCAGTCCCTGCTCCC[A>G]GTCAGCTCCCAGCTTCAAGCCCAACCAAGTGCGAGATCTGCGTGAAAAGTAAGCATTAAC-3'
Protein context (NP_001268669.1, residues 373-393): TLSAPTSPCS[Gln383Arg]SAPSFKPNQV